The following is an entry in ClinVar:

NM_206933.4(USH2A):c.11597C>T (p.Ala3866Val)

Gene: USH2A (usherin; minus strand). Cytogenetic location: 1q41.
Variant type: single nucleotide variant.
Coding change: c.11597C>T on transcript NM_206933.4 (MANE Select); coding-DNA position 11597, C replaced by T.
Protein change: p.Ala3866Val; replaces alanine 3866 with valine.
Molecular consequence: missense variant.
Genome position (GRCh38, 1-based): chr1:215,741,489, G>A on the plus strand (C>T on the coding strand, the complement: USH2A is on the minus strand). VCF-style: chr1-215741489-G-A. GRCh37 (hg19) VCF-style: chr1-215914831-G-A.
Other names: short protein forms A3866V.
Identifiers: ClinVar variation 178576 (VCV000178576.51), dbSNP rs138326802, ClinGen allele CA182592.
Genomic context (GRCh38, chr1:215,741,489, plus strand): 5'-TTAATCTCTATGCAAGCTGACCCCAGTGCCTTAAGAACAGGAGAATTAAGATCCATTGGG[G>A]CTGCTTCAGGTGTTTTGACAAACATCCTACTGCTAACTCCACAACTTCCTTGAAAAAAAA-3'
Protein context (NP_996816.3, residues 3856-3876): SRMFVKTPEA[Ala3866Val]PMDLNSPVLK

ClinVar aggregate classification (germline): Conflicting classifications of pathogenicity. Review status: criteria provided, conflicting classifications (1 of 4 stars). 7 submissions from 7 submitters: Uncertain significance (4); Likely benign (3). Last evaluated 2026-05-14.

Conditions:
USH2A-related disorder. Also called: USH2A-related condition; USH2A-related disorders. Identifiers: MedGen CN239332.
Usher syndrome type 2A. Also called: USHER SYNDROME, TYPE IIA; RETINAL DISEASE IN USHER SYNDROME TYPE IIA, MODIFIER OF. Identifiers: Orphanet 231178, Orphanet 886, MedGen C1848634, MONDO:0010169, OMIM 276901.

Allele frequency attached by ClinVar (database versions not stated): ESP Exome Variant Server 0.00015; TOPMed 0.00020; gnomAD 0.00023 and 0.00026.
gnomAD v4.1: 483 of 1,613,458 alleles (0.03%); highest among the groups gnomAD compares: Admixed American, 0.052%; no homozygotes.

Submissions (7):

PreventionGenetics, part of Exact Sciences
Classification: Uncertain significance for USH2A-related condition. Last evaluated: 2026-05-14. Review status: criteria provided, single submitter. Criteria: ACMG Guidelines, 2015. Collection method: clinical testing. Allele origin: germline.
Comment: The USH2A c.11597C>T variant is predicted to result in the amino acid substitution p.Ala3866Val. This variant has been reported the homozygous state or along with a second USH2A variant, in individuals with retinitis pigmentosa (Table S5, Reurink et al. 2023. PubMed ID: 36785559; Supplementary Table 1, Schlottmann et al. 2023. PubMed ID: 37217489). This variant is reported in 0.058% of alleles in individuals of Ashkenazi Jewish descent in gnomAD. At this time, the clinical significance of this variant is uncertain due to the absence of conclusive functional and genetic evidence.

GeneDx
Classification: Uncertain significance. Last evaluated: 2025-03-28. Review status: criteria provided, single submitter. Criteria: GeneDx Variant Classification Process June 2021. Collection method: clinical testing. Allele origin: germline. Affected: yes.
Comment: Reported with a second variant (phase unknown) in a patient with retinitis pigmentosa in published literature (PMID: 36785559); In silico analysis indicates that this missense variant does not alter protein structure/function; This variant is associated with the following publications: (PMID: 22135276, 36785559, 37217489)

Blueprint Genetics
Classification: Likely benign. Last evaluated: 2024-11-13. Review status: criteria provided, single submitter. Criteria: ACMG Guidelines, 2015. Collection method: clinical testing. Allele origin: germline.

Labcorp Genetics (formerly Invitae), Labcorp
Classification: Uncertain significance. Last evaluated: 2022-09-27. Review status: criteria provided, single submitter. Criteria: Invitae Variant Classification Sherloc (09022015). Collection method: clinical testing. Allele origin: germline.
Comment: This sequence change replaces alanine, which is neutral and non-polar, with valine, which is neutral and non-polar, at codon 3866 of the USH2A protein (p.Ala3866Val). This variant is present in population databases (rs138326802, gnomAD 0.05%). This missense change has been observed in individual(s) with retinitis pigmentosa and/or Usher syndrome (PMID: 22135276; Invitae). ClinVar contains an entry for this variant (Variation ID: 178576). Advanced modeling of protein sequence and biophysical properties (such as structural, functional, and spatial information, amino acid conservation, physicochemical variation, residue mobility, and thermodynamic stability) performed at Invitae indicates that this missense variant is not expected to disrupt USH2A protein function. In summary, the available evidence is currently insufficient to determine the role of this variant in disease. Therefore, it has been classified as a Variant of Uncertain Significance.

CeGaT Center for Human Genetics Tuebingen
Classification: Uncertain significance. Last evaluated: 2021-06-01. Review status: criteria provided, single submitter. Criteria: CeGaT Center For Human Genetics Tuebingen Variant Classification Criteria Version 2. Collection method: clinical testing. Allele origin: germline. Affected: yes. Observed: 1 variant allele.

Centre for Mendelian Genomics, University Medical Centre Ljubljana
Classification: Likely benign for Usher syndrome type 2A. Last evaluated: 2020-03-09. Review status: criteria provided, single submitter. Criteria: ACMG Guidelines, 2015. Collection method: clinical testing. Allele origin: unknown. Affected: yes.
Comment: This variant was classified as: Likely benign.

Laboratory for Molecular Medicine, Mass General Brigham Personalized Medicine
Classification: Likely benign. Last evaluated: 2014-03-19. Review status: criteria provided, single submitter. Criteria: LMM Criteria. Collection method: clinical testing. Allele origin: germline. Observed: 2 variant alleles.
Comment: Ala3866Val variant in exon 60 of USH2A: This variant is not expected to have cli nical significance due to a lack of conservation across species, with several m ammals (chinchilla, star nosed mole and pe-elephant shrew) having a valine (Val) at this position. In addition, computational prediction tools do not suggest a high likelihood of impact to the protein. The variant has been reported in an in dividual with Usher syndrome; however two other pathogenic variants were also id entified and attributed as causative for the disease in that individual (Le Ques ne 2012). It has also been identified in 0.023% (2/8600) of European American ch romosomes by the NHLBI Exome Sequencing Project (S/; dbSNP rs138326802).

Literature cited by the submitters: PubMed 22135276 (cited by Labcorp Genetics (formerly Invitae), Labcorp and Laboratory for Molecular Medicine, Mass General Brigham Personalized Medicine).